The following is an entry in ClinVar:

ClinVar aggregate classification (germline): Likely pathogenic (1 of 4 stars; one submission).

Conditions:
Usher syndrome type 1F (USH1F). Also called: USHER SYNDROME, TYPE IF. Identifiers: Orphanet 231169, Orphanet 886, MedGen C1865885, MONDO:0011186, OMIM 602083.

Submission:

Women's Health and Genetics/Laboratory Corporation of America, LabCorp
Classification: Likely pathogenic for Usher syndrome type 1F. Last evaluated: 2022-10-11. Review status: criteria provided, single submitter. Criteria: LabCorp Variant Classification Summary - May 2015. Collection method: clinical testing. Allele origin: germline.
Comment: Variant summary: The variant identified by MLPA or other technology involves the duplication of exons 12-25 in the PCDH15 gene. A presumed nomenclature of c.(1305+1_1306-1)_(3373+1_3374-1)dup has been designated for the purposes of this classification. It has been assumed that this is a tandem duplication in direct orientation (Richardson_GIM_2018, Newman_AJHG_2015). Although exact breakpoints of this duplication are not known, it is expected to result in a frameshift in the PCDH15 gene. The variant was absent in 21594 control chromosomes (gnomAD structural variants dataset). The available data on variant occurrences in the general population are insufficient to allow any conclusion about variant significance. To our knowledge, no occurrence of c.(1305+1_1306-1)_(3373+1_3374-1)dup in individuals affected with Usher Syndrome Type 1F and no experimental evidence demonstrating its impact on protein function have been reported. No clinical diagnostic laboratories have submitted clinical-significance assessments for this variant to ClinVar after 2014. Based on the evidence outlined above, the variant was classified as likely pathogenic.

NC_000010.10:g.(55663131_55698574)_(55945029_55955442)dup

Gene: PCDH15 (protocadherin related 15; minus strand). Cytogenetic location: 10q21.1.
Variant type: Duplication.
Identifiers: ClinVar variation 1723292 (VCV001723292.1).